The following is an entry in ClinVar:

NM_004364.5(CEBPA):c.372G>T (p.Ala124=)

Gene: CEBPA (CCAAT enhancer binding protein alpha; minus strand). Cytogenetic location: 19q13.11.
Variant type: single nucleotide variant.
Coding change: c.372G>T on transcript NM_004364.5 (MANE Select); coding-DNA position 372, G replaced by T.
Protein change: p.Ala124=; no amino-acid change (alanine 124 retained).
Molecular consequence: synonymous variant.
Genome position (GRCh38, 1-based): chr19:33,302,043, C>A on the plus strand (G>T on the coding strand, the complement: CEBPA is on the minus strand). VCF-style: chr19-33302043-C-A. GRCh37 (hg19) VCF-style: chr19-33792949-C-A.
Other names: c.15G>T, p.Ala5= (NM_001285829.2); c.477G>T, p.Ala159= (NM_001287424.2); c.330G>T, p.Ala110= (NM_001287435.2); c.372G>T (NM_004364.4).
Identifiers: ClinVar variation 2057046 (VCV002057046.7), dbSNP rs1440808608, ClinGen allele CA507007853.

ClinVar aggregate classification (germline): Likely benign. Review status: criteria provided, multiple submitters, no conflicts (2 of 4 stars). 3 submissions from 3 submitters: Likely benign (2). 1 of the submissions does not count toward it. Last evaluated 2025-02-02.

Conditions:
Acute myeloid leukemia (AML). Also called: Acute myeloid leukemia, adult; AML adult; Acute non-lymphocytic leukemia; Acute granulocytic leukemia; Leukemia, acute myeloid, somatic; Leukemia, acute myelogenous, somatic. Identifiers: Orphanet 519, MedGen C0023467, MeSH D015470, MONDO:0018874, OMIM 601626, HP:0004808. Disease mechanism: Constitutively activated FLT3.
CEBPA-related disorder. Also called: CEBPA-related condition.
Inborn genetic diseases. Identifiers: MedGen C0950123, MeSH D030342.

Submissions (3):

Ambry Genetics
Classification: Likely benign for Inborn genetic diseases. Last evaluated: 2025-02-02. Review status: criteria provided, single submitter. Criteria: Ambry Variant Classification Scheme 2023. Collection method: clinical testing. Allele origin: germline.

Labcorp Genetics (formerly Invitae), Labcorp
Classification: Likely benign for Acute myeloid leukemia. Last evaluated: 2022-04-28. Review status: criteria provided, single submitter. Criteria: Invitae Variant Classification Sherloc (09022015). Collection method: clinical testing. Allele origin: germline.

PreventionGenetics, part of Exact Sciences
Classification: Likely benign for CEBPA-related condition. Last evaluated: 2023-04-20. Review status: no assertion criteria provided. Collection method: clinical testing. Allele origin: germline. Not counted in ClinVar's aggregate classification.
Comment: This variant is classified as likely benign based on ACMG/AMP sequence variant interpretation guidelines (Richards et al. 2015 PMID: 25741868, with internal and published modifications).